The following is an entry in ClinVar:

ClinVar aggregate classification (germline): Uncertain significance (1 of 4 stars; one submission).

Allele frequency attached by ClinVar (database versions not stated): TOPMed below 0.00001.

Submission:

GeneDx
Classification: Uncertain significance. Last evaluated: 2021-12-29. Review status: criteria provided, single submitter. Criteria: GeneDx Variant Classification Process June 2021. Collection method: clinical testing. Allele origin: germline. Affected: yes.
Comment: Not observed at significant frequency in large population cohorts (gnomAD); In silico analysis supports that this missense variant does not alter protein structure/function; Has not been previously published as pathogenic or benign to our knowledge

NM_004958.4(MTOR):c.1429C>G (p.Gln477Glu)

Gene: MTOR (mechanistic target of rapamycin kinase; minus strand). Cytogenetic location: 1p36.22.
Variant type: single nucleotide variant.
Coding change: c.1429C>G on transcript NM_004958.4 (MANE Select); coding-DNA position 1429, C replaced by G.
Protein change: p.Gln477Glu; replaces glutamine 477 with glutamic acid.
Molecular consequence: missense variant.
Genome position (GRCh38, 1-based): chr1:11,241,665, G>C on the plus strand (C>G on the coding strand, the complement: MTOR is on the minus strand). VCF-style: chr1-11241665-G-C. GRCh37 (hg19) VCF-style: chr1-11301722-G-C.
Other names: c.1429C>G, p.Gln477Glu (NM_001386500.1); c.181C>G, p.Gln61Glu (NM_001386501.1); short protein forms Q477E, Q61E.
Identifiers: ClinVar variation 1693376 (VCV001693376.2), dbSNP rs1648048259, ClinGen allele CA338395371.